The following is an entry in ClinVar:

ClinVar aggregate classification (germline): Uncertain significance. Review status: criteria provided, multiple submitters, no conflicts (2 of 4 stars). 2 submissions from 2 submitters: Uncertain significance (2). Last evaluated 2025-08-19.

Conditions:
Inborn genetic diseases. Identifiers: MedGen C0950123, MeSH D030342.
Bardet-Biedl syndrome (BBS). Identifiers: Orphanet 110, MedGen C0752166, MONDO:0015229.
McKusick-Kaufman syndrome (MKKS). Also called: HYDROMETROCOLPOS SYNDROME; HYDROMETROCOLPOS, POSTAXIAL POLYDACTYLY, AND CONGENITAL HEART MALFORMATION. Identifiers: Orphanet 2473, MedGen C0948368, MONDO:0009367, OMIM 236700.

Allele frequency attached by ClinVar (database versions not stated): gnomAD exomes below 0.00001.
gnomAD v4.1: 2 of 1,614,168 alleles (0.00012%); highest among the groups gnomAD compares: Non-Finnish European, 0.00017%; no homozygotes.

Submissions (2):

Ambry Genetics
Classification: Uncertain significance for Inborn genetic diseases. Last evaluated: 2025-08-19. Review status: criteria provided, single submitter. Criteria: Ambry Variant Classification Scheme 2023. Collection method: clinical testing. Allele origin: germline.

Labcorp Genetics (formerly Invitae), Labcorp
Classification: Uncertain significance for McKusick-Kaufman syndrome; Bardet-Biedl syndrome. Last evaluated: 2022-03-22. Review status: criteria provided, single submitter. Criteria: Invitae Variant Classification Sherloc (09022015). Collection method: clinical testing. Allele origin: germline.
Comment: ClinVar contains an entry for this variant (Variation ID: 938370). In summary, the available evidence is currently insufficient to determine the role of this variant in disease. Therefore, it has been classified as a Variant of Uncertain Significance. Algorithms developed to predict the effect of missense changes on protein structure and function (SIFT, PolyPhen-2, Align-GVGD) all suggest that this variant is likely to be disruptive. This variant has not been reported in the literature in individuals affected with MKKS-related conditions. This variant is not present in population databases (gnomAD no frequency). This sequence change replaces aspartic acid, which is acidic and polar, with histidine, which is basic and polar, at codon 251 of the MKKS protein (p.Asp251His).

NM_170784.3(MKKS):c.751G>C (p.Asp251His)

Gene: MKKS (MKKS centrosomal shuttling protein; minus strand). Cytogenetic location: 20p12.2.
Variant type: single nucleotide variant.
Coding change: c.751G>C on transcript NM_170784.3 (MANE Select); coding-DNA position 751, G replaced by C.
Protein change: p.Asp251His; replaces aspartic acid 251 with histidine.
Molecular consequence: missense variant.
Genome position (GRCh38, 1-based): chr20:10,412,764, C>G on the plus strand (G>C on the coding strand, the complement: MKKS is on the minus strand). VCF-style: chr20-10412764-C-G. GRCh37 (hg19) VCF-style: chr20-10393412-C-G.
Other names: c.751G>C (NM_018848.2); c.751G>C, p.Asp251His (NM_018848.3); short protein forms D251H.
Identifiers: ClinVar variation 938370 (VCV000938370.10), dbSNP rs2064900610, ClinGen allele CA408232428.